The following is an entry in ClinVar:

ClinVar aggregate classification (germline): Uncertain significance (1 of 4 stars; one submission).

Conditions:
Dyskeratosis congenita. Identifiers: Orphanet 1775, MedGen C0265965, MONDO:0015780.

Submission:

Labcorp Genetics (formerly Invitae), Labcorp
Classification: Uncertain significance for Dyskeratosis congenita. Last evaluated: 2022-03-28. Review status: criteria provided, single submitter. Criteria: Invitae Variant Classification Sherloc (09022015). Collection method: clinical testing. Allele origin: germline.
Comment: This sequence change replaces proline, which is neutral and non-polar, with leucine, which is neutral and non-polar, at codon 1124 of the CTC1 protein (p.Pro1124Leu). This variant is not present in population databases (gnomAD no frequency). This variant has not been reported in the literature in individuals affected with CTC1-related conditions. Algorithms developed to predict the effect of missense changes on protein structure and function output the following: SIFT: "Tolerated"; PolyPhen-2: "Possibly Damaging"; Align-GVGD: "Class C0". The leucine amino acid residue is found in multiple mammalian species, which suggests that this missense change does not adversely affect protein function. In summary, the available evidence is currently insufficient to determine the role of this variant in disease. Therefore, it has been classified as a Variant of Uncertain Significance.

NM_025099.6(CTC1):c.3371C>T (p.Pro1124Leu)

Gene: CTC1 (CST telomere replication complex component 1; minus strand). Cytogenetic location: 17p13.1.
Variant type: single nucleotide variant.
Coding change: c.3371C>T on transcript NM_025099.6 (MANE Select); coding-DNA position 3371, C replaced by T.
Protein change: p.Pro1124Leu; replaces proline 1124 with leucine.
Molecular consequence: missense variant. On other transcripts: non-coding transcript variant (1).
Genome position (GRCh38, 1-based): chr17:8,228,743, G>A on the plus strand (C>T on the coding strand, the complement: CTC1 is on the minus strand). VCF-style: chr17-8228743-G-A. GRCh37 (hg19) VCF-style: chr17-8132061-G-A.
Other names: short protein forms P1124L.
Identifiers: ClinVar variation 2119140 (VCV002119140.4), dbSNP rs2507864525, ClinGen allele CA397969068.
Genomic context (GRCh38, chr17:8,228,743, plus strand): 5'-AGGAATTTGGGTATCCGAGTCCCTCCCTCCCAGCCACATTACACCTCAAGTTGGGCTCCA[G>A]GCCCTGCAAACTGCAAGACCACTCTGCCTGGCACTTGGACGAAATCTAGGAGGGAGGCCC-3'
Protein context (NP_079375.3, residues 1114-1134): PGRVVLQFAG[Pro1124Leu]GAQLESSARV